The following is an entry in ClinVar:

NM_001267550.2(TTN):c.55015C>A (p.Leu18339Met)

Genes: TTN (titin; minus strand), TTN-AS1 (TTN antisense RNA 1; plus strand). Cytogenetic location: 2q31.2.
Variant type: single nucleotide variant.
Coding change: c.55015C>A on transcript NM_001267550.2 (MANE Select); coding-DNA position 55015, C replaced by A.
Protein change: p.Leu18339Met; replaces leucine 18339 with methionine.
Molecular consequence: missense variant.
Genome position (GRCh38, 1-based): chr2:178,602,387, G>T on the plus strand (C>A on the coding strand, the complement: TTN is on the minus strand). VCF-style: chr2-178602387-G-T. GRCh37 (hg19) VCF-style: chr2-179467114-G-T.
Other names: p.L16698M:CTG>ATG; c.50092C>A, p.Leu16698Met (NM_001256850.1); c.27820C>A, p.Leu9274Met (NM_003319.4); c.47311C>A, p.Leu15771Met (NM_133378.4); c.28195C>A, p.Leu9399Met (NM_133432.3); c.28396C>A, p.Leu9466Met (NM_133437.4); short protein forms L16698M, L18339M, L15771M, L9466M, L9274M, L9399M.
Identifiers: ClinVar variation 202721 (VCV000202721.8), dbSNP rs773396552, ClinGen allele CA310083.

ClinVar aggregate classification (germline): Uncertain significance. Review status: criteria provided, multiple submitters, no conflicts (2 of 4 stars). 4 submissions from 4 submitters: Uncertain significance (3). 1 of the submissions does not count toward it. Last evaluated 2023-10-17.

Conditions:
TTN-related disorder. Also called: TTN-related disorders; TTN-related condition; TTN-related disease.

Allele frequency attached by ClinVar (database versions not stated): gnomAD 0.00001; gnomAD exomes 0.00001; TOPMed 0.00004.
gnomAD v4.1: 57 of 1,612,714 alleles (0.0035%); highest among the groups gnomAD compares: Non-Finnish European, 0.0048%; no homozygotes.

Submissions (4):

Revvity Omics, Revvity
Classification: Uncertain significance. Last evaluated: 2023-10-17. Review status: criteria provided, single submitter. Criteria: ACMG Guidelines, 2015. Collection method: clinical testing. Allele origin: germline.

Eurofins Ntd Llc (ga)
Classification: Uncertain significance. Last evaluated: 2018-07-30. Review status: criteria provided, single submitter. Criteria: EGL ClinVar v180209 classification definitions. Collection method: clinical testing. Allele origin: germline. Observed: 2 variant alleles, 2 heterozygotes.

GeneDx
Classification: Uncertain significance. Last evaluated: 2016-09-01. Review status: criteria provided, single submitter. Criteria: GeneDx Variant Classification (06012015). Collection method: clinical testing. Allele origin: germline. Affected: yes.
Comment: Missense variants in the TTN gene are considered 'unclassified' if they are not previously reported in the literature and do not have >1% frequency in the population to be considered a polymorphism. Research indicates that truncating mutations in the TTN gene are expected to account for approximately 25% of familial and 18% of sporadic idiopathic DCM; however, truncating variants in the TTN gene have been reported in approximately 3% of reported control alleles. There has been little investigation into non-truncating variants. (Herman D et al. Truncations of titin causing dilated cardiomyopathy. N Eng J Med 366:619-628, 2012) The variant is found in CARDIOMYOPATHY panel(s).

PreventionGenetics, part of Exact Sciences
Classification: Uncertain significance for TTN-related condition. Last evaluated: 2024-05-11. Review status: no assertion criteria provided. Collection method: clinical testing. Allele origin: germline. Not counted in ClinVar's aggregate classification.
Comment: The TTN c.55015C>A variant is predicted to result in the amino acid substitution p.Leu18339Met. This variant was reported in a cohort study of patients with Bannayan-Riley-Ruvalcaba-like syndrome; however, the association of this disorder with TTN is limited (Supp. Table 5, subject CCF08384 in Yehia et al. 2017. PubMed ID: 29263846). This variant is reported in 0.0018% of alleles in individuals of European (Non-Finnish) descent in gnomAD. At this time, the clinical significance of this variant is uncertain due to the absence of conclusive functional and genetic evidence.